The following is an entry in ClinVar:

NM_001127649.3(PEX26):c.179G>A (p.Arg60Gln)

Gene: PEX26 (peroxisomal biogenesis factor 26; plus strand). Cytogenetic location: 22q11.21.
Variant type: single nucleotide variant.
Coding change: c.179G>A on transcript NM_001127649.3 (MANE Select); coding-DNA position 179, G replaced by A.
Protein change: p.Arg60Gln; replaces arginine 60 with glutamine.
Molecular consequence: missense variant.
Genome position (GRCh38, 1-based): chr22:18,078,555, G>A. VCF-style: chr22-18078555-G-A. GRCh37 (hg19) VCF-style: chr22-18561321-G-A.
Other names: c.179G>A, p.Arg60Gln (NM_001199319.2, NM_017929.6); short protein forms R60Q.
Identifiers: ClinVar variation 2188133 (VCV002188133.4), dbSNP rs764495911, ClinGen allele CA10093240.

ClinVar aggregate classification (germline): Uncertain significance (1 of 4 stars; one submission).

Conditions:
Peroxisome biogenesis disorder 7A (Zellweger). Also called: Peroxisome biogenesis disorder 7A. Identifiers: Orphanet 912, MedGen C3888385, MONDO:0013938, OMIM 614872.
Peroxisome biogenesis disorder 7B (PBD7B). Identifiers: Orphanet 44, MedGen C3553951, MONDO:0013939, OMIM 614873.

gnomAD v4.1: 1 of 1,592,318 alleles (0.000063%); highest among the groups gnomAD compares: Admixed American, 0.0017%; no homozygotes.

Submission:

Labcorp Genetics (formerly Invitae), Labcorp
Classification: Uncertain significance for Peroxisome biogenesis disorder 7A (Zellweger); Peroxisome biogenesis disorder 7B. Last evaluated: 2023-11-27. Review status: criteria provided, single submitter. Criteria: Invitae Variant Classification Sherloc (09022015). Collection method: clinical testing. Allele origin: germline.
Comment: This sequence change replaces arginine, which is basic and polar, with glutamine, which is neutral and polar, at codon 60 of the PEX26 protein (p.Arg60Gln). The frequency data for this variant in the population databases is considered unreliable, as metrics indicate poor data quality at this position in the gnomAD database. This variant has not been reported in the literature in individuals affected with PEX26-related conditions. ClinVar contains an entry for this variant (Variation ID: 2188133). Advanced modeling of protein sequence and biophysical properties (such as structural, functional, and spatial information, amino acid conservation, physicochemical variation, residue mobility, and thermodynamic stability) performed at Invitae indicates that this missense variant is expected to disrupt PEX26 protein function with a positive predictive value of 80%. In summary, the available evidence is currently insufficient to determine the role of this variant in disease. Therefore, it has been classified as a Variant of Uncertain Significance.